The following is an entry in ClinVar:

NM_015160.3(PMPCA):c.763G>A (p.Gly255Ser)

Genes: PMPCA (peptidase, mitochondrial processing subunit alpha; plus strand), LOC126860792 (CDK7 strongly-dependent group 2 enhancer GRCh37_chr9:139310410-139311609; plus strand). Cytogenetic location: 9q34.3.
Variant type: single nucleotide variant.
Coding change: c.763G>A on transcript NM_015160.3 (MANE Select); coding-DNA position 763, G replaced by A.
Protein change: p.Gly255Ser; replaces glycine 255 with serine.
Molecular consequence: missense variant.
Genome position (GRCh38, 1-based): chr9:136,417,080, G>A. VCF-style: chr9-136417080-G-A. GRCh37 (hg19) VCF-style: chr9-139311532-G-A.
Other names: c.370G>A, p.Gly124Ser (NM_001282944.2); c.463G>A, p.Gly155Ser (NM_001282946.2); short protein forms G124S, G255S, G155S.
Identifiers: ClinVar variation 1951921 (VCV001951921.5), dbSNP rs752469291, ClinGen allele CA5336149.
Genomic context (GRCh38, chr9:136,417,080, plus strand): 5'-CGAGAGGTGCTGCATTCCTACCTGAGGAACTACTACACTCCCGACCGCATGGTGCTGGCC[G>A]GCGTGGGCGTGGAGCACGAGCATCTGGTGGACTGTGCCCGGAAGTACCTCCTGGGGGTCC-3'
Protein context (NP_055975.1, residues 245-265): YYTPDRMVLA[Gly255Ser]VGVEHEHLVD

ClinVar aggregate classification (germline): Uncertain significance (1 of 4 stars; one submission).

Allele frequency attached by ClinVar (database versions not stated): TOPMed below 0.00001; gnomAD exomes 0.00001; ExAC 0.00002.
gnomAD v4.1: 8 of 1,613,992 alleles (0.0005%); highest among the groups gnomAD compares: East Asian, 0.0022%; no homozygotes.

Submission:

Labcorp Genetics (formerly Invitae), Labcorp
Classification: Uncertain significance. Last evaluated: 2024-10-23. Review status: criteria provided, single submitter. Criteria: Invitae Variant Classification Sherloc (09022015). Collection method: clinical testing. Allele origin: germline.
Comment: This sequence change replaces glycine, which is neutral and non-polar, with serine, which is neutral and polar, at codon 255 of the PMPCA protein (p.Gly255Ser). This variant is present in population databases (rs752469291, gnomAD 0.003%). This variant has not been reported in the literature in individuals affected with PMPCA-related conditions. ClinVar contains an entry for this variant (Variation ID: 1951921). Invitae Evidence Modeling of protein sequence and biophysical properties (such as structural, functional, and spatial information, amino acid conservation, physicochemical variation, residue mobility, and thermodynamic stability) indicates that this missense variant is expected to disrupt PMPCA protein function with a positive predictive value of 80%. In summary, the available evidence is currently insufficient to determine the role of this variant in disease. Therefore, it has been classified as a Variant of Uncertain Significance.